The following is an entry in ClinVar:

ClinVar aggregate classification (germline): Conflicting classifications of pathogenicity. Review status: criteria provided, conflicting classifications (1 of 4 stars). 6 submissions from 6 submitters: Uncertain significance (2); Likely benign (3). 1 of the submissions does not count toward it. Last evaluated 2026-01-28.

Conditions:
Chédiak-Higashi syndrome (CHS). Also called: Chediak-Higashi Syndrome. Identifiers: Orphanet 167, MedGen C0007965, MONDO:0008963, OMIM 214500.
LYST-related disorder. Also called: LYST-related condition.

Allele frequency attached by ClinVar (database versions not stated): ExAC 0.00027; gnomAD exomes 0.00029; 1000 Genomes Project 0.00040; 1000 Genomes Project 30x 0.00047; gnomAD 0.00054 and 0.00080; ESP Exome Variant Server 0.00092; TOPMed 0.00102.
gnomAD v4.1: 250 of 1,613,634 alleles (0.015%); highest among the groups gnomAD compares: African/African-American, 0.26%; no homozygotes.

Submissions (6):

Labcorp Genetics (formerly Invitae), Labcorp
Classification: Likely benign for Chédiak-Higashi syndrome. Last evaluated: 2026-01-28. Review status: criteria provided, single submitter. Criteria: Invitae Variant Classification Sherloc (09022015). Collection method: clinical testing. Allele origin: germline.

Women's Health and Genetics/Laboratory Corporation of America, LabCorp
Classification: Likely benign. Last evaluated: 2025-09-26. Review status: criteria provided, single submitter. Criteria: LabCorp Variant Classification Summary - May 2015. Collection method: clinical testing. Allele origin: germline.
Comment: Variant summary: LYST c.4637C>T (p.Ala1546Val) results in a non-conservative amino acid change in the encoded protein sequence. Algorithms developed to predict the effect of missense changes on protein structure and function are either unavailable or do not agree on the potential impact of this missense change. The variant allele was found at a frequency of 0.00029 in 250644 control chromosomes, predominantly at a frequency of 0.0034 within the African or African-American subpopulation in the gnomAD database. The observed variant frequency within African or African-American control individuals in the gnomAD database exceeds the estimated maximal expected allele frequency for disease-causing variants in LYST. To our knowledge, no occurrence of c.4637C>T in individuals affected with LYST-related conditions and no experimental evidence demonstrating its impact on protein function have been reported. ClinVar contains an entry for this variant (Variation ID: 525188). Based on the evidence outlined above, the variant was classified as likely benign.

Mayo Clinic Laboratories, Mayo Clinic
Classification: Uncertain significance. Last evaluated: 2025-04-09. Review status: criteria provided, single submitter. Criteria: ACMG Guidelines, 2015. Collection method: clinical testing. Allele origin: germline. Observed: 3 variant alleles.
Comment: BP4_moderate

Revvity Omics, Revvity
Classification: Uncertain significance for Chédiak-Higashi syndrome. Last evaluated: 2020-02-12. Review status: criteria provided, single submitter. Criteria: ACMG Guidelines, 2015. Collection method: clinical testing. Allele origin: germline.

Breakthrough Genomics
Classification: Likely benign. Review status: criteria provided, single submitter. Criteria: ACMG Guidelines, 2015. Collection method: not provided. Allele origin: germline. Inheritance: Autosomal recessive inheritance. Affected: yes.

PreventionGenetics, part of Exact Sciences
Classification: Likely benign for LYST-related condition. Last evaluated: 2022-03-11. Review status: no assertion criteria provided. Collection method: clinical testing. Allele origin: germline. Not counted in ClinVar's aggregate classification.
Comment: This variant is classified as likely benign based on ACMG/AMP sequence variant interpretation guidelines (Richards et al. 2015 PMID: 25741868, with internal and published modifications).

Literature cited by the submitters: PubMed 34083498 (cited by Mayo Clinic Laboratories, Mayo Clinic).

NM_000081.4(LYST):c.4637C>T (p.Ala1546Val)

Gene: LYST (lysosomal trafficking regulator; minus strand). Cytogenetic location: 1q42.3.
Variant type: single nucleotide variant.
Coding change: c.4637C>T on transcript NM_000081.4 (MANE Select); coding-DNA position 4637, C replaced by T.
Protein change: p.Ala1546Val; replaces alanine 1546 with valine.
Molecular consequence: missense variant.
Genome position (GRCh38, 1-based): chr1:235,788,752, G>A on the plus strand (C>T on the coding strand, the complement: LYST is on the minus strand). VCF-style: chr1-235788752-G-A. GRCh37 (hg19) VCF-style: chr1-235952052-G-A.
Other names: p.Ala1546Val; c.4637C>T, p.Ala1546Val (NM_001301365.1); short protein forms A1546V.
Identifiers: ClinVar variation 525188 (VCV000525188.18), dbSNP rs142983846, ClinGen allele CA1466790.
Genomic context (GRCh38, chr1:235,788,752, plus strand): 5'-AATCAATACCGAAAGATAAGAGTGGCATTGTGGGGATCAGCCCACACTTGGATCATCAAC[G>A]CTTTGGATCCCAGTGAAATTATATGAATACATCCTTCTTCTATGAGTCTTTCACCAGGAT-3'
Protein context (NP_000072.2, residues 1536-1556): CIHIISLGSK[Ala1546Val]LMIQVWADPH